The following is an entry in ClinVar:

NM_018263.6(ASXL2):c.2029G>C (p.Ala677Pro)

Gene: ASXL2 (ASXL transcriptional regulator 2; minus strand). Cytogenetic location: 2p23.3.
Variant type: single nucleotide variant.
Coding change: c.2029G>C on transcript NM_018263.6 (MANE Select); coding-DNA position 2029, G replaced by C.
Protein change: p.Ala677Pro; replaces alanine 677 with proline.
Molecular consequence: missense variant.
Genome position (GRCh38, 1-based): chr2:25,744,308, C>G on the plus strand (G>C on the coding strand, the complement: ASXL2 is on the minus strand). VCF-style: chr2-25744308-C-G. GRCh37 (hg19) VCF-style: chr2-25967177-C-G.
Other names: c.1855G>C, p.Ala619Pro (NM_001369346.1); c.1249G>C, p.Ala417Pro (NM_001369347.1); short protein forms A417P, A619P, A677P.
Identifiers: ClinVar variation 4536339 (VCV004536339.1).

ClinVar aggregate classification (germline): Uncertain significance (1 of 4 stars; one submission).

Submission:

GeneDx
Classification: Uncertain significance. Last evaluated: 2025-06-01. Review status: criteria provided, single submitter. Criteria: GeneDx Variant Classification Process June 2021. Collection method: clinical testing. Allele origin: germline. Affected: yes.
Comment: Not observed at significant frequency in large population cohorts (gnomAD); In silico analysis suggests that this missense variant does not alter protein structure/function; Has not been previously published as pathogenic or benign to our knowledge